The following is an entry in ClinVar:

ClinVar aggregate classification (germline): Uncertain significance (1 of 4 stars; one submission).

Conditions:
Hereditary sensory neuropathy-deafness-dementia syndrome. Also called: NEUROPATHY, HEREDITARY SENSORY, WITH HEARING LOSS AND DEMENTIA; Hereditary Sensory and Autonomic Neuropathy Type 1E (HSAN1E); Hereditary sensory neuropathy type IE; HSN IE. Identifiers: Orphanet 456318, MedGen C3279885, MONDO:0013584, OMIM 614116.

Allele frequency attached by ClinVar (database versions not stated): ExAC 0.00001; gnomAD 0.00001; gnomAD exomes 0.00002; TOPMed 0.00002.
gnomAD v4.1: 13 of 1,614,018 alleles (0.00081%); highest among the groups gnomAD compares: Admixed American, 0.0083%; no homozygotes.

Submission:

Labcorp Genetics (formerly Invitae), Labcorp
Classification: Uncertain significance for Hereditary sensory neuropathy-deafness-dementia syndrome. Last evaluated: 2022-12-12. Review status: criteria provided, single submitter. Criteria: Invitae Variant Classification Sherloc (09022015). Collection method: clinical testing. Allele origin: germline.
Comment: This sequence change replaces aspartic acid, which is acidic and polar, with glutamic acid, which is acidic and polar, at codon 983 of the DNMT1 protein (p.Asp983Glu). This variant is present in population databases (rs764301881, gnomAD 0.01%). This variant has not been reported in the literature in individuals affected with DNMT1-related conditions. ClinVar contains an entry for this variant (Variation ID: 1512155). Advanced modeling of protein sequence and biophysical properties (such as structural, functional, and spatial information, amino acid conservation, physicochemical variation, residue mobility, and thermodynamic stability) performed at Invitae indicates that this missense variant is not expected to disrupt DNMT1 protein function. In summary, the available evidence is currently insufficient to determine the role of this variant in disease. Therefore, it has been classified as a Variant of Uncertain Significance.

NM_001130823.3(DNMT1):c.2949C>A (p.Asp983Glu)

Gene: DNMT1 (DNA methyltransferase 1; minus strand). Cytogenetic location: 19p13.2.
Variant type: single nucleotide variant.
Coding change: c.2949C>A on transcript NM_001130823.3 (MANE Select); coding-DNA position 2949, C replaced by A.
Protein change: p.Asp983Glu; replaces aspartic acid 983 with glutamic acid.
Molecular consequence: missense variant.
Genome position (GRCh38, 1-based): chr19:10,143,933, G>T on the plus strand (C>A on the coding strand, the complement: DNMT1 is on the minus strand). VCF-style: chr19-10143933-G-T. GRCh37 (hg19) VCF-style: chr19-10254609-G-T.
Other names: c.2901C>A, p.Asp967Glu (NM_001318730.2, NM_001379.4); c.2586C>A, p.Asp862Glu (NM_001318731.2); short protein forms D862E, D983E, D967E.
Identifiers: ClinVar variation 1512155 (VCV001512155.6), dbSNP rs764301881, ClinGen allele CA9187890.
Genomic context (GRCh38, chr19:10,143,933, plus strand): 5'-GGCATCCAGGTTGCTGCCTTTGATGTAGTCGGAGTATTTCCGGTAGTGCTCTGGGTACAG[G>T]TCCTCATCCACGGGCTCCTTCCGTGGGCGTTTCACGGGACTGGACAGCTTGATGCTGCAG-3'
Protein context (NP_001124295.1, residues 973-993): KRPRKEPVDE[Asp983Glu]LYPEHYRKYS